The following is an entry in ClinVar:

ClinVar aggregate classification (germline): Uncertain significance (1 of 4 stars; one submission).

Conditions:
Inborn genetic diseases. Identifiers: MedGen C0950123, MeSH D030342.

gnomAD v4.1: 1 of 1,609,454 alleles (0.000062%); highest among the groups gnomAD compares: Non-Finnish European, 0.000085%; no homozygotes.

Submission:

Ambry Genetics
Classification: Uncertain significance for Inborn genetic diseases. Last evaluated: 2026-08-18. Review status: criteria provided, single submitter. Criteria: Ambry Variant Classification Scheme 2023. Collection method: clinical testing. Allele origin: germline.
Comment: The p.F93Y variant (also known as c.278T>A), located in coding exon 3 of the FANCA gene, results from a T to A substitution at nucleotide position 278. The phenylalanine at codon 93 is replaced by tyrosine, an amino acid with highly similar properties. This amino acid position is conserved. In addition, this alteration is predicted to be tolerated by in silico analysis. Based on the available evidence, the clinical significance of this variant remains unclear.

NM_000135.4(FANCA):c.278T>A (p.Phe93Tyr)

Gene: FANCA (FA complementation group A; minus strand). Cytogenetic location: 16q24.3.
Variant type: single nucleotide variant.
Coding change: c.278T>A on transcript NM_000135.4 (MANE Select); coding-DNA position 278, T replaced by A.
Protein change: p.Phe93Tyr; replaces phenylalanine 93 with tyrosine.
Molecular consequence: missense variant.
Genome position (GRCh38, 1-based): chr16:89,814,525, A>T on the plus strand (T>A on the coding strand, the complement: FANCA is on the minus strand). VCF-style: chr16-89814525-A-T. GRCh37 (hg19) VCF-style: chr16-89880933-A-T.
Other names: c.278T>A, p.Phe93Tyr (NM_001018112.3, NM_001286167.3, NM_001351830.2); short protein forms F93Y.
Identifiers: ClinVar variation 5036421 (VCV005036421.1).
Genomic context (GRCh38, chr16:89,814,525, plus strand): 5'-ACTATATAAAAACCCTTCTGCAATTCAAAATAGAGAAAATGAAGCTATAACTTACCTATA[A>T]ATGAACTAGAATGATTAGCATAGGCCTCAGAACTGTCACAGTCAATCACTTTGCTGAGAG-3'
Protein context (NP_000126.2, residues 83-103): SEAYANHSSS[Phe93Tyr]IGSALQDQAS